The following is an entry in ClinVar:

ClinVar aggregate classification (germline): Likely benign (1 of 4 stars; one submission).

gnomAD v4.1: 448 of 1,547,170 alleles (0.029%); highest among the groups gnomAD compares: Non-Finnish European, 0.032%; no homozygotes.

Submission:

CeGaT Center for Human Genetics Tuebingen
Classification: Likely benign. Last evaluated: 2022-05-01. Review status: criteria provided, single submitter. Criteria: CeGaT Center For Human Genetics Tuebingen Variant Classification Criteria Version 2. Collection method: clinical testing. Allele origin: germline. Affected: yes. Observed: 1 variant allele.
Comment: CROCC2: BP4, BP7

NM_001351305.2(CROCC2):c.2454C>T (p.Ser818=)

Gene: CROCC2 (ciliary rootlet coiled-coil, rootletin family member 2; plus strand). Cytogenetic location: 2q37.3.
Variant type: single nucleotide variant.
Coding change: c.2454C>T on transcript NM_001351305.2 (MANE Select); coding-DNA position 2454, C replaced by T.
Protein change: p.Ser818=; no amino-acid change (serine 818 retained).
Molecular consequence: synonymous variant.
Genome position (GRCh38, 1-based): chr2:240,949,069, C>T. VCF-style: chr2-240949069-C-T. GRCh37 (hg19) VCF-style: chr2-241888486-C-T.
Identifiers: ClinVar variation 2652102 (VCV002652102.24), dbSNP rs560184143, ClinGen allele CA2210297.